The following is an entry in ClinVar:

ClinVar aggregate classification (germline): Uncertain significance. Review status: reviewed by expert panel (3 of 4 stars). 2 submissions from 2 submitters: Uncertain significance (1). 1 of the submissions does not count toward it. Last evaluated 2024-09-12.

Conditions:
Hereditary thrombocytopenia and hematologic cancer predisposition syndrome. Identifiers: Orphanet 71290, MedGen CN281654, MONDO:0011071.
Hereditary thrombocytopenia and hematological cancer predisposition syndrome associated with RUNX1. Also called: RUNX1 Familial Platelet Disorder with Associated Myeloid Malignancies; Familial Platelet Disorder with Propensity to Acute Myelogenous Leukemia; Familial thrombocytopenia with propensity to acute myelogenous leukemia; PLATELET DISORDER, ASPIRIN-LIKE. Identifiers: Orphanet 71290, MedGen C1832388, MeSH C563324, MONDO:0100083, OMIM 601399.

Submissions (2):

ClinGen Myeloid Malignancy Variant Curation Expert Panel
Classification: Uncertain significance for Hereditary thrombocytopenia and hematologic cancer predisposition syndrome. Last evaluated: 2024-09-12. Review status: reviewed by expert panel. Criteria: ClinGen MyeloMalig ACMG Specifications v2. Collection method: curation. Allele origin: germline. Inheritance: Autosomal dominant inheritance.
Comment: NM_001754.5(RUNX1):c.762C>G (p.Asn254Lys) is a missense variant which is absent from gnomAD v2, v3, and v4 (PM2_Supporting) and has not been reported in the literature. The computational predictor REVEL gives a score of 0.484, below the threshold of 0.50, and the splice site predictor SpliceAI indicates that the variant has no impact on splicing, providing evidence that does not predict a damaging effect on RUNX1 function (BP4). In summary, this variant meets the criteria to be classified as a variant of uncertain significance (VUS) for autosomal dominant hereditary thrombocytopenia and hematologic cancer predisposition syndrome. ACMG/AMP criteria applied, as specified by the ClinGen Myeloid Malignancy VCEP: PM2_Supporting and BP4.

Labcorp Genetics (formerly Invitae), Labcorp
Classification: Uncertain significance for Hereditary thrombocytopenia and hematological cancer predisposition syndrome associated with RUNX1. Last evaluated: 2021-11-09. Review status: criteria provided, single submitter. Criteria: Invitae Variant Classification Sherloc (09022015). Collection method: clinical testing. Allele origin: germline. Not counted in ClinVar's aggregate classification.
Comment: In summary, the available evidence is currently insufficient to determine the role of this variant in disease. Therefore, it has been classified as a Variant of Uncertain Significance. This sequence change replaces asparagine, which is neutral and polar, with lysine, which is basic and polar, at codon 254 of the RUNX1 protein (p.Asn254Lys). This variant is not present in population databases (gnomAD no frequency). This variant has not been reported in the literature in individuals affected with RUNX1-related conditions. Algorithms developed to predict the effect of missense changes on protein structure and function (SIFT, PolyPhen-2, Align-GVGD) all suggest that this variant is likely to be tolerated. Algorithms developed to predict the effect of sequence changes on RNA splicing suggest that this variant may create or strengthen a splice site.

NM_001754.5(RUNX1):c.762C>G (p.Asn254Lys)

Gene: RUNX1 (RUNX family transcription factor 1; minus strand). Cytogenetic location: 21q22.12.
Variant type: single nucleotide variant.
Coding change: c.762C>G on transcript NM_001754.5 (MANE Select); coding-DNA position 762, C replaced by G.
Protein change: p.Asn254Lys; replaces asparagine 254 with lysine.
Molecular consequence: missense variant.
Genome position (GRCh38, 1-based): chr21:34,834,453, G>C on the plus strand (C>G on the coding strand, the complement: RUNX1 is on the minus strand). VCF-style: chr21-34834453-G-C. GRCh37 (hg19) VCF-style: chr21-36206750-G-C.
Other names: NM_001754.5(RUNX1):c.762C>G; p.Asn254Lys; c.681C>G, p.Asn227Lys (NM_001001890.3, NM_001122607.2); short protein forms N254K, N227K.
Identifiers: ClinVar variation 1487422 (VCV001487422.7), dbSNP rs2146075007, ClinGen allele CA410206745.